The following is an entry in ClinVar:

NM_001003800.2(BICD2):c.587C>T (p.Ser196Phe)

Gene: BICD2 (BICD cargo adaptor 2; minus strand). Cytogenetic location: 9q22.31.
Variant type: single nucleotide variant.
Coding change: c.587C>T on transcript NM_001003800.2 (MANE Select); coding-DNA position 587, C replaced by T.
Protein change: p.Ser196Phe; replaces serine 196 with phenylalanine.
Molecular consequence: missense variant.
Genome position (GRCh38, 1-based): chr9:92,722,675, G>A on the plus strand (C>T on the coding strand, the complement: BICD2 is on the minus strand). VCF-style: chr9-92722675-G-A. GRCh37 (hg19) VCF-style: chr9-95484957-G-A.
Other names: c.587C>T, p.Ser196Phe (NM_015250.4); short protein forms S196F.
Identifiers: ClinVar variation 851654 (VCV000851654.10), dbSNP rs1853487156, ClinGen allele CA374045373.

ClinVar aggregate classification (germline): Uncertain significance (1 of 4 stars; one submission).

Conditions:
Autosomal dominant childhood-onset proximal spinal muscular atrophy with contractures (SMALED2A). Also called: SPINAL MUSCULAR ATROPHY, LOWER EXTREMITY-PREDOMINANT, 2A, CHILDHOOD ONSET, AUTOSOMAL DOMINANT; Spinal muscular atrophy, lower extremity-predominant, 2A, autosomal dominant. Identifiers: Orphanet 363447, Orphanet 363454, MedGen C4747715, MONDO:0014121, OMIM 615290.

Submission:

Labcorp Genetics (formerly Invitae), Labcorp
Classification: Uncertain significance for Autosomal dominant childhood-onset proximal spinal muscular atrophy with contractures. Last evaluated: 2019-11-18. Review status: criteria provided, single submitter. Criteria: Invitae Variant Classification Sherloc (09022015). Collection method: clinical testing. Allele origin: germline.
Comment: Algorithms developed to predict the effect of missense changes on protein structure and function do not agree on the potential impact of this missense change (SIFT: "Deleterious"; PolyPhen-2: "Probably Damaging"; Align-GVGD: "Class C15"). In summary, this variant is a novel missense change with uncertain impact on protein function. It has been classified as a Variant of Uncertain Significance. This variant is not present in population databases (ExAC no frequency) and has not been reported in the literature in individuals with a BICD2-related disease. This sequence change replaces serine with phenylalanine at codon 196 of the BICD2 protein (p.Ser196Phe). The serine residue is highly conserved and there is a large physicochemical difference between serine and phenylalanine.